The following is an entry in ClinVar:

NM_014363.6(SACS):c.7504C>T (p.Arg2502Ter)

Gene: SACS (sacsin molecular chaperone; minus strand). Cytogenetic location: 13q12.12.
Variant type: single nucleotide variant.
Coding change: c.7504C>T on transcript NM_014363.6 (MANE Select); coding-DNA position 7504, C replaced by T.
Protein change: p.Arg2502Ter; replaces arginine 2502 with a stop codon.
Molecular consequence: nonsense.
Genome position (GRCh38, 1-based): chr13:23,336,372, G>A on the plus strand (C>T on the coding strand, the complement: SACS is on the minus strand). VCF-style: chr13-23336372-G-A. GRCh37 (hg19) VCF-style: chr13-23910511-G-A.
Other names: 5254C>T; 5254C-T; c.7063C>T, p.Arg2355Ter (NM_001278055.2); short protein forms R2502*, R2355*.
Identifiers: ClinVar variation 5513 (VCV000005513.26), dbSNP rs281865118, ClinGen allele CA340433.
Genomic context (GRCh38, chr13:23,336,372, plus strand): 5'-ATTCTGTGCCAAGTGTTGTAAAACAGACATTGGATGCATATCTTTCTAAGGCTTTGTGTC[G>A]CTTTGGGACTGCTCCTAGTTTTACTGCTACTTCCCTGGGTATGTCAGCATGACAATATTT-3'

ClinVar aggregate classification (germline): Pathogenic. Review status: criteria provided, multiple submitters, no conflicts (2 of 4 stars). 14 submissions from 14 submitters: Pathogenic (10). 4 of the submissions do not count toward it. Last evaluated 2023-12-01.

Conditions:
SACS-related disorder. Also called: SACS-related condition.
Spastic paraplegia. Identifiers: MedGen C0037772, HP:0001258.
Hereditary spastic paraplegia. Also called: Familial spastic paraparesis. Identifiers: Orphanet 685, MedGen C0037773, MONDO:0019064. Disease mechanism: loss of function.
Charlevoix-Saguenay spastic ataxia (SACS). Also called: AUTOSOMAL RECESSIVE SPASTIC ATAXIA OF CHARLEVOIX-SAGUENAY; Spastic ataxia of Charlevoix-Saguenay; SPASTIC ATAXIA 6, AUTOSOMAL RECESSIVE. Identifiers: Orphanet 98, MedGen C1849140, MONDO:0010041, OMIM 270550.

Allele frequency attached by ClinVar (database versions not stated): ExAC 0.00001; gnomAD exomes 0.00001 and 0.00002.
gnomAD v4.1: 15 of 1,614,044 alleles (0.00093%); highest among the groups gnomAD compares: Non-Finnish European, 0.0012%; no homozygotes.

Submissions (14):

Blueprint Genetics
Classification: Pathogenic for SACS-related disorders. Last evaluated: 2023-12-01. Review status: criteria provided, single submitter. Criteria: ACMG Guidelines, 2015. Collection method: clinical testing. Allele origin: germline. Affected: yes. Observed: 3 variant alleles.

Women's Health and Genetics/Laboratory Corporation of America, LabCorp
Classification: Pathogenic for Charlevoix-Saguenay spastic ataxia. Last evaluated: 2023-11-14. Review status: criteria provided, single submitter. Criteria: LabCorp Variant Classification Summary - May 2015. Collection method: clinical testing. Allele origin: germline.
Comment: Variant summary: SACS c.7504C>T (p.Arg2502X) results in a premature termination codon, predicted to cause a truncation of the encoded protein, which is a commonly known mechanism for disease. While this variant is not expected to result in nonsense mediated decay, it is predicted to disrupt the last 2,078 amino acids of the protein. Variants downstream of this position have been classified as pathogenic by our laboratory. The variant allele was found at a frequency of 2e-05 in 251338 control chromosomes (gnomAD). The available data on variant occurrences in the general population are insufficient to allow any conclusion about variant significance. c.7504C>T has been reported in the literature in multiple individuals affected with Autosomal Recessive Spastic Ataxia Of Charlevoix-Saguenay (e.g., Engert_2000). These data indicate that the variant is very likely to be associated with disease. The following publication was ascertained in the context of this evaluation (PMID: 10655055). Seven submitters have reported clinical-significance assessments for this variant to ClinVar after 2014. All submitters classified the variant as pathogenic. Based on the evidence outlined above, the variant was classified as pathogenic.

Labcorp Genetics (formerly Invitae), Labcorp
Classification: Pathogenic for Spastic paraplegia. Last evaluated: 2023-11-06. Review status: criteria provided, single submitter. Criteria: Invitae Variant Classification Sherloc (09022015). Collection method: clinical testing. Allele origin: germline.
Comment: This sequence change creates a premature translational stop signal (p.Arg2502*) in the SACS gene. While this is not anticipated to result in nonsense mediated decay, it is expected to disrupt the last 2078 amino acid(s) of the SACS protein. This variant is present in population databases (rs281865118, gnomAD 0.006%). This premature translational stop signal has been observed in individuals with autosomal recessive spastic ataxia of Charlevoix-Saguenay (PMID: 10655055, 30901567). This variant is also known as g.5254C>T. ClinVar contains an entry for this variant (Variation ID: 5513). For these reasons, this variant has been classified as Pathogenic.

Laboratorio de Genetica e Diagnostico Molecular, Hospital Israelita Albert Einstein
Classification: Pathogenic for Charlevoix-Saguenay spastic ataxia. Last evaluated: 2023-09-13. Review status: criteria provided, single submitter. Criteria: ACMG Guidelines, 2015. Collection method: clinical testing. Allele origin: germline. Affected: yes.
Comment: ACMG classification criteria: PVS1 strong, PM2 supporting, PM3 very strong

Baylor Genetics
Classification: Pathogenic for Charlevoix-Saguenay spastic ataxia. Last evaluated: 2023-02-10. Review status: criteria provided, single submitter. Criteria: ACMG Guidelines, 2015. Collection method: clinical testing. Allele origin: unknown.

PROSPAX: an integrated multimodal progression  chart in spastic ataxias, Center for Neurology; Hertie-Institute for Clinical Brain Research
Classification: Pathogenic for Charlevoix-Saguenay spastic ataxia. Last evaluated: 2022-01-01. Review status: criteria provided, single submitter. Criteria: ACMG Guidelines, 2015. Collection method: research. Allele origin: germline. Affected: yes. Observed: 3 variant alleles, 3 compound heterozygotes.

Genome-Nilou Lab
Classification: Pathogenic for Charlevoix-Saguenay spastic ataxia. Last evaluated: 2021-09-05. Review status: criteria provided, single submitter. Criteria: ACMG Guidelines, 2015. Collection method: clinical testing. Allele origin: germline. Affected: no.

Institute of Medical Genetics and Applied Genomics, University Hospital Tübingen
Classification: Pathogenic. Last evaluated: 2020-10-23. Review status: criteria provided, single submitter. Criteria: ACMG Guidelines, 2015. Collection method: clinical testing. Allele origin: germline. Inheritance: Unknown mechanism. Affected: yes.

Medical Genetics Laboratory, Tarbiat Modares University
Classification: Pathogenic for Charlevoix-Saguenay spastic ataxia. Last evaluated: 2020-03-01. Review status: criteria provided, single submitter. Criteria: ACMG Guidelines, 2015. Collection method: clinical testing. Allele origin: inherited. Inheritance: Autosomal recessive inheritance. Affected: yes. Observed: 1 variant allele, 1 homozygote.

Genome Diagnostics Laboratory, The Hospital for Sick Children
Classification: Pathogenic for Hereditary spastic paraplegia. Last evaluated: 2016-12-12. Review status: criteria provided, single submitter. Criteria: ACMG Guidelines, 2015. Collection method: clinical testing. Allele origin: germline. Affected: yes.

Molecular Genetics Laboratory, BC Children's and BC Women's Hospitals
Classification: Pathogenic for Charlevoix-Saguenay spastic ataxia. Last evaluated: 2017-10-25. Review status: no assertion criteria provided. Criteria: ACMG Guidelines, 2015. Collection method: clinical testing. Allele origin: germline. Affected: yes. Not counted in ClinVar's aggregate classification.

Counsyl
Classification: Pathogenic for Charlevoix-Saguenay spastic ataxia. Last evaluated: 2015-09-03. Review status: no assertion criteria provided. Collection method: clinical testing. Allele origin: unknown. Not counted in ClinVar's aggregate classification.

OMIM
Classification: Pathogenic for SPASTIC ATAXIA, CHARLEVOIX-SAGUENAY TYPE. Last evaluated: 2000-02-01. Review status: no assertion criteria provided. Collection method: literature only. Allele origin: germline. Not counted in ClinVar's aggregate classification.

GeneReviews
No classification provided. Condition: Charlevoix-Saguenay spastic ataxia. Review status: no classification provided. Collection method: literature only. Allele origin: germline. Not counted in ClinVar's aggregate classification.

Literature cited by the submitters: PubMed 10655055 (cited by 4 submitters); PubMed 30901567 (cited by Labcorp Genetics (formerly Invitae), Labcorp); PubMed 11788093 (cited by Counsyl and GeneReviews); PubMed 20301432 (cited by GeneReviews).